The following is an entry in ClinVar:

ClinVar aggregate classification (germline): Benign. Review status: criteria provided, multiple submitters, no conflicts (2 of 4 stars). 7 submissions from 7 submitters: Benign (6). 1 of the submissions does not count toward it. Last evaluated 2026-02-04.

Conditions:
Acute infantile liver failure due to synthesis defect of mtDNA-encoded proteins. Also called: Liver failure acute infantile; TRMU Deficiency; LIVER FAILURE, INFANTILE, TRANSIENT. Identifiers: Orphanet 217371, MedGen C3278664, MONDO:0013111, OMIM 613070.

Allele frequency attached by ClinVar (database versions not stated): gnomAD exomes 0.00152 and 0.00362; ExAC 0.00433; ESP Exome Variant Server 0.01269; gnomAD 0.01286 and 0.01380; 1000 Genomes Project 30x 0.01437; TOPMed 0.01455; 1000 Genomes Project 0.01458.

Submissions (7):

Labcorp Genetics (formerly Invitae), Labcorp
Classification: Benign. Last evaluated: 2026-02-04. Review status: criteria provided, single submitter. Criteria: Invitae Variant Classification Sherloc (09022015). Collection method: clinical testing. Allele origin: germline.

ARUP Laboratories, Molecular Genetics and Genomics, ARUP Laboratories
Classification: Benign. Last evaluated: 2023-08-07. Review status: criteria provided, single submitter. Criteria: ARUP Molecular Germline Variant Investigation Process 2024. Collection method: clinical testing. Allele origin: germline.

Mayo Clinic Laboratories, Mayo Clinic
Classification: Benign. Last evaluated: 2021-06-22. Review status: criteria provided, single submitter. Criteria: ACMG Guidelines, 2015. Collection method: clinical testing. Allele origin: germline. Observed: 19 variant alleles.

Illumina Laboratory Services, Illumina
Classification: Benign for Acute infantile liver failure due to synthesis defect of mtDNA-encoded proteins. Last evaluated: 2018-01-12. Review status: criteria provided, single submitter. Criteria: ICSL Variant Classification Criteria 13 December 2019. Collection method: clinical testing. Allele origin: germline.
Comment: This variant was observed in the ICSL laboratory as part of a predisposition screen in an ostensibly healthy population. It had not been previously curated by ICSL or reported in the Human Gene Mutation Database (HGMD: prior to June 1st, 2018), and was therefore a candidate for classification through an automated scoring system. Utilizing variant allele frequency, disease prevalence and penetrance estimates, and inheritance mode, an automated score was calculated to assess if this variant is too frequent to cause the disease. Based on the score and internal cut-off values, a variant classified as benign is not then subjected to further curation. The score for this variant resulted in a classification of benign for this disease.

GeneDx
Classification: Benign. Last evaluated: 2013-08-07. Review status: criteria provided, single submitter. Criteria: GeneDx Variant Classification (06012015). Collection method: clinical testing. Allele origin: germline. Affected: yes.
Comment: This variant is considered likely benign or benign based on one or more of the following criteria: it is a conservative change, it occurs at a poorly conserved position in the protein, it is predicted to be benign by multiple in silico algorithms, and/or has population frequency not consistent with disease.

Breakthrough Genomics
Classification: Benign. Review status: criteria provided, single submitter. Criteria: ACMG Guidelines, 2015. Collection method: not provided. Allele origin: germline. Inheritance: Unknown mechanism. Affected: yes.

Natera, Inc.
Classification: Benign for Transient infantile liver failure. Last evaluated: 2020-09-16. Review status: no assertion criteria provided. Collection method: clinical testing. Allele origin: germline. Not counted in ClinVar's aggregate classification.

NM_018006.5(TRMU):c.479C>T (p.Ala160Val)

Gene: TRMU (tRNA mitochondrial 2-thiouridylase; plus strand). Cytogenetic location: 22q13.31.
Variant type: single nucleotide variant.
Coding change: c.479C>T on transcript NM_018006.5 (MANE Select); coding-DNA position 479, C replaced by T.
Protein change: p.Ala160Val; replaces alanine 160 with valine.
Molecular consequence: missense variant. On other transcripts: intron variant (2).
Genome position (GRCh38, 1-based): chr22:46,350,291, C>T. VCF-style: chr22-46350291-C-T. GRCh37 (hg19) VCF-style: chr22-46746188-C-T.
Other names: p.A160V:GCG>GTG; p.Ala160Val; c.137C>T, p.Ala46Val (NM_001282782.2); c.479C>T, p.Ala160Val (NM_001282785.2); c.118-59C>T (NM_001282783.2, NM_001282784.2); short protein forms A160V, A46V.
Identifiers: ClinVar variation 137710 (VCV000137710.26), dbSNP rs35338668, ClinGen allele CA291372.
Genomic context (GRCh38, chr22:46,350,291, plus strand): 5'-TGAAAGTGAAGTATCATTATTTTTATTCCTGCATCGTCTTTTGTTCTTTATTCTTGGCAG[C>T]GGTAAAACTCCTCCAGGCAGCTGACAGCTTTAAAGACCAGACCTTCTTTCTCAGCCAGGT-3'
Protein context (NP_060476.2, residues 150-170): LFRNRFEVRN[Ala160Val]VKLLQAADSF